The following is an entry in ClinVar:

NM_000071.3(CBS):c.685C>A (p.Pro229Thr)

Gene: CBS (cystathionine beta-synthase; minus strand). Cytogenetic location: 21q22.3.
Variant type: single nucleotide variant.
Coding change: c.685C>A on transcript NM_000071.3 (MANE Select); coding-DNA position 685, C replaced by A.
Protein change: p.Pro229Thr; replaces proline 229 with threonine.
Molecular consequence: missense variant.
Genome position (GRCh38, 1-based): chr21:43,065,254, G>T on the plus strand (C>A on the coding strand, the complement: CBS is on the minus strand). VCF-style: chr21-43065254-G-T. GRCh37 (hg19) VCF-style: chr21-44485364-G-T.
Other names: c.685C>A, p.Pro229Thr (NM_001178008.3, NM_001178009.3, NM_001320298.2); c.370C>A, p.Pro124Thr (NM_001321072.1); c.685C>A (NM_000071.2); short protein forms P229T, P124T.
Identifiers: ClinVar variation 1391430 (VCV001391430.9), dbSNP rs375730175, ClinGen allele CA321095493.

ClinVar aggregate classification (germline): Conflicting classifications of pathogenicity. Review status: criteria provided, conflicting classifications (1 of 4 stars). 3 submissions from 3 submitters: Likely pathogenic (2); Uncertain significance (1). Last evaluated 2025-08-13.

Conditions:
HYPERHOMOCYSTEINEMIA, THROMBOTIC, CBS-RELATED. Identifiers: MedGen C3150344, OMIM 236200.
Familial thoracic aortic aneurysm and aortic dissection (TAAD). Also called: Thoracic aortic aneurysms and dissections. Identifiers: Orphanet 91387, MedGen C4707243, MONDO:0019625.

Allele frequency attached by ClinVar (database versions not stated): ExAC 0.00001; ESP Exome Variant Server 0.00015; gnomAD exomes below 0.00001.
gnomAD v4.1: 1 of 1,417,098 alleles (0.000071%); highest among the groups gnomAD compares: Non-Finnish European, 0.000098%; no homozygotes.

Submissions (3):

GeneDx
Classification: Likely pathogenic. Last evaluated: 2025-08-13. Review status: criteria provided, single submitter. Criteria: GeneDx Variant Classification Process June 2021. Collection method: clinical testing. Allele origin: germline.
Comment: Not observed at significant frequency in large population cohorts (gnomAD); In silico analysis supports that this missense variant has a deleterious effect on protein structure/function; Has not been previously published as pathogenic or benign to our knowledge

Labcorp Genetics (formerly Invitae), Labcorp
Classification: Likely pathogenic for HYPERHOMOCYSTEINEMIA, THROMBOTIC, CBS-RELATED. Last evaluated: 2025-07-28. Review status: criteria provided, single submitter. Criteria: Invitae Variant Classification Sherloc (09022015). Collection method: clinical testing. Allele origin: germline.
Comment: This sequence change replaces proline, which is neutral and non-polar, with threonine, which is neutral and polar, at codon 229 of the CBS protein (p.Pro229Thr). This variant is present in population databases (rs375730175, gnomAD 0.0009%). This missense change has been observed in individual(s) with homocystinuria (internal data). In at least one individual the data is consistent with being in trans (on the opposite chromosome) from a pathogenic variant. ClinVar contains an entry for this variant (Variation ID: 1391430). Invitae Evidence Modeling of protein sequence and biophysical properties (such as structural, functional, and spatial information, amino acid conservation, physicochemical variation, residue mobility, and thermodynamic stability) indicates that this missense variant is expected to disrupt CBS protein function with a positive predictive value of 95%. In summary, the currently available evidence indicates that the variant is pathogenic, but additional data are needed to prove that conclusively. Therefore, this variant has been classified as Likely Pathogenic.

Ambry Genetics
Classification: Uncertain significance for Familial thoracic aortic aneurysm and aortic dissection. Last evaluated: 2023-11-07. Review status: criteria provided, single submitter. Criteria: Ambry Variant Classification Scheme 2023. Collection method: clinical testing. Allele origin: germline.